The following is an entry in ClinVar:

NM_001042492.3(NF1):c.2293dup (p.Arg765fs)

Gene: NF1 (neurofibromin 1; plus strand). Cytogenetic location: 17q11.2.
Variant type: Duplication.
Coding change: c.2293dup on transcript NM_001042492.3 (MANE Select); coding-DNA position 2293, one base duplicated (C; older notation c.2293dupC).
Protein change: p.Arg765fs; shifts the reading frame from arginine 765.
Molecular consequence: frameshift variant.
Genome position (GRCh38, 1-based): chr17:31,227,259, C duplicated. VCF-style (leftmost placement, unchanged base first): chr17-31227258-G-GC. GRCh37 (hg19) VCF-style: chr17-29554276-G-GC.
Other names: c.2293dup, p.Arg765Profs (NM_000267.4); short protein forms R765fs.
Identifiers: ClinVar variation 2824640 (VCV002824640.3), dbSNP rs2508166114, ClinGen allele CA2739267351.
Genomic context (GRCh38, chr17:31,227,258, plus strand): 5'-TTGCTGTTGTATTTGCTTAGGAAGAGCAGCACTTCAGAAAAGAGTGATGGCACTGCTGAG[G>GC]CGCATTGAGCATCCCACTGCAGGAAACACTGAGGTATGCCCTTAGCAACAGAAACACCCC-3'

ClinVar aggregate classification (germline): Pathogenic (1 of 4 stars; one submission).

Conditions:
Neurofibromatosis, type 1 (NF1). Also called: VON RECKLINGHAUSEN DISEASE; Peripheral type neurofibromatosis; Neurofibromatosis, type I; NEUROFIBROMATOSIS, TYPE I, SOMATIC. Identifiers: Orphanet 636, MedGen C0027831, MONDO:0018975, OMIM 162200. Disease mechanism: loss of function.

Submission:

Labcorp Genetics (formerly Invitae), Labcorp
Classification: Pathogenic for Neurofibromatosis, type 1. Last evaluated: 2022-12-29. Review status: criteria provided, single submitter. Criteria: Invitae Variant Classification Sherloc (09022015). Collection method: clinical testing. Allele origin: germline.
Comment: For these reasons, this variant has been classified as Pathogenic. This variant has not been reported in the literature in individuals affected with NF1-related conditions. This variant is not present in population databases (gnomAD no frequency). This sequence change creates a premature translational stop signal (p.Arg765Profs*3) in the NF1 gene. It is expected to result in an absent or disrupted protein product. Loss-of-function variants in NF1 are known to be pathogenic (PMID: 10712197, 23913538).

Literature cited by the submitters: PubMed 10712197; PubMed 23913538.